The following is an entry in ClinVar:

NM_013275.6(ANKRD11):c.4626G>C (p.Lys1542Asn)

Gene: ANKRD11 (ankyrin repeat domain 11; minus strand). Cytogenetic location: 16q24.3.
Variant type: single nucleotide variant.
Coding change: c.4626G>C on transcript NM_013275.6 (MANE Select); coding-DNA position 4626, G replaced by C.
Protein change: p.Lys1542Asn; replaces lysine 1542 with asparagine.
Molecular consequence: missense variant.
Genome position (GRCh38, 1-based): chr16:89,281,916, C>G on the plus strand (G>C on the coding strand, the complement: ANKRD11 is on the minus strand). VCF-style: chr16-89281916-C-G. GRCh37 (hg19) VCF-style: chr16-89348324-C-G.
Other names: c.4626G>C, p.Lys1542Asn (NM_001256182.2, NM_001256183.2); short protein forms K1542N.
Identifiers: ClinVar variation 5022528 (VCV005022528.1).
Genomic context (GRCh38, chr16:89,281,916, plus strand): 5'-GCCTGGGTCTTTGGATGGCGCTACCTTATCATTCCCGTTGCTCATCTTCACTGGGTCGCC[C>G]TTTTCTTTCTCTGCACCGTCCTTGAATTTCTCCTTCAGTTTGGCATCGCCGAGCCTCGGG-3'
Protein context (NP_037407.4, residues 1532-1552): EKFKDGAEKE[Lys1542Asn]GDPVKMSNGN

ClinVar aggregate classification (germline): Uncertain significance (1 of 4 stars; one submission).

Conditions:
Inborn genetic diseases. Identifiers: MedGen C0950123, MeSH D030342.

gnomAD v4.1: 2 of 1,613,386 alleles (0.00012%); highest among the groups gnomAD compares: Non-Finnish European, 0.00017%; no homozygotes.

Submission:

Ambry Genetics
Classification: Uncertain significance for Inborn genetic diseases. Last evaluated: 2026-07-02. Review status: criteria provided, single submitter. Criteria: Ambry Variant Classification Scheme 2023. Collection method: clinical testing. Allele origin: germline.
Comment: The c.4626G>C (p.K1542N) alteration is located in exon 9 (coding exon 7) of the ANKRD11 gene. This alteration results from a G to C substitution at nucleotide position 4626, causing the lysine (K) at amino acid position 1542 to be replaced by an asparagine (N). Based on data from gnomAD, the C allele has an overall frequency of <0.001% (1/251012) total alleles studied. The highest observed frequency was 0.001% (1/113766) of European (non-Finnish) alleles. Based on insufficient or conflicting evidence, the clinical significance of this alteration remains unclear.